The following is an entry in ClinVar:

NM_001277115.2(DNAH11):c.3969A>G (p.Ile1323Met)

Gene: DNAH11 (dynein axonemal heavy chain 11; plus strand). Cytogenetic location: 7p15.3.
Variant type: single nucleotide variant.
Coding change: c.3969A>G on transcript NM_001277115.2 (MANE Select); coding-DNA position 3969, A replaced by G.
Protein change: p.Ile1323Met; replaces isoleucine 1323 with methionine.
Molecular consequence: missense variant.
Genome position (GRCh38, 1-based): chr7:21,615,230, A>G. VCF-style: chr7-21615230-A-G. GRCh37 (hg19) VCF-style: chr7-21654848-A-G.
Other names: c.3969A>G, p.Ile1323Met (NM_003777.3); short protein forms I1323M.
Identifiers: ClinVar variation 1736578 (VCV001736578.5), dbSNP rs779250701, ClinGen allele CA4179831.

ClinVar aggregate classification (germline): Conflicting classifications of pathogenicity. Review status: criteria provided, conflicting classifications (1 of 4 stars). 2 submissions from 2 submitters: Uncertain significance (1); Likely benign (1). Last evaluated 2024-07-27.

Conditions:
Primary ciliary dyskinesia. Also called: Ciliary dyskinesia. Identifiers: Orphanet 244, MedGen C0008780, MONDO:0016575, HP:0012265.

Allele frequency attached by ClinVar (database versions not stated): gnomAD exomes below 0.00001; ExAC 0.00001.
gnomAD v4.1: 3 of 1,613,592 alleles (0.00019%); highest among the groups gnomAD compares: Admixed American, 0.0017%; no homozygotes.

Submissions (2):

Labcorp Genetics (formerly Invitae), Labcorp
Classification: Likely benign for Primary ciliary dyskinesia. Last evaluated: 2024-07-27. Review status: criteria provided, single submitter. Criteria: Invitae Variant Classification Sherloc (09022015). Collection method: clinical testing. Allele origin: germline.

Ambry Genetics
Classification: Uncertain significance for Primary ciliary dyskinesia. Last evaluated: 2015-03-11. Review status: criteria provided, single submitter. Criteria: Ambry Variant Classification Scheme 2023. Collection method: clinical testing. Allele origin: germline.
Comment: The p.I1323M variant (also known as c.3969A>G), located in coding exon 21 of the DNAH11 gene, results from an A to G substitution at nucleotide position 3969. The isoleucine at codon 1323 is replaced by methionine, an amino acid with highly similar properties. This amino acid position is not well conserved in available vertebrate species, and methionine is the reference amino acid in other vertebrate species. In addition, this alteration is predicted to be tolerated by in silico analysis. Since supporting evidence is limited at this time, the clinical significance of this alteration remains unclear.